The following is an entry in ClinVar:

ClinVar aggregate classification (germline): Uncertain significance. Review status: criteria provided, multiple submitters, no conflicts (2 of 4 stars). 3 submissions from 3 submitters: Uncertain significance (3). Last evaluated 2026-01-09.

Conditions:
Inborn genetic diseases. Identifiers: MedGen C0950123, MeSH D030342.

Allele frequency attached by ClinVar (database versions not stated): gnomAD exomes below 0.00001; ExAC 0.00001; TOPMed 0.00007; gnomAD 0.00009.
gnomAD v4.1: 18 of 1,613,926 alleles (0.0011%); highest among the groups gnomAD compares: African/African-American, 0.023%; no homozygotes.

Submissions (3):

Labcorp Genetics (formerly Invitae), Labcorp
Classification: Uncertain significance. Last evaluated: 2026-01-09. Review status: criteria provided, single submitter. Criteria: Invitae Variant Classification Sherloc (09022015). Collection method: clinical testing. Allele origin: germline.
Comment: This sequence change replaces isoleucine, which is neutral and non-polar, with valine, which is neutral and non-polar, at codon 3749 of the TRRAP protein (p.Ile3749Val). This variant is present in population databases (rs774579477, gnomAD 0.02%). This variant has not been reported in the literature in individuals affected with TRRAP-related conditions. ClinVar contains an entry for this variant (Variation ID: 2157959). Invitae Evidence Modeling of protein sequence and biophysical properties (such as structural, functional, and spatial information, amino acid conservation, physicochemical variation, residue mobility, and thermodynamic stability) indicates that this missense variant is not expected to disrupt TRRAP protein function with a negative predictive value of 80%. In summary, the available evidence is currently insufficient to determine the role of this variant in disease. Therefore, it has been classified as a Variant of Uncertain Significance.

Ambry Genetics
Classification: Uncertain significance for Inborn genetic diseases. Last evaluated: 2025-08-06. Review status: criteria provided, single submitter. Criteria: Ambry Variant Classification Scheme 2023. Collection method: clinical testing. Allele origin: germline.

Revvity Omics, Revvity
Classification: Uncertain significance. Last evaluated: 2021-06-25. Review status: criteria provided, single submitter. Criteria: ACMG Guidelines, 2015. Collection method: clinical testing. Allele origin: germline.

NM_001375524.1(TRRAP):c.11374A>G (p.Ile3792Val)

Gene: TRRAP (transformation/transcription domain associated protein; plus strand). Cytogenetic location: 7q22.1.
Variant type: single nucleotide variant.
Coding change: c.11374A>G on transcript NM_001375524.1 (MANE Select); coding-DNA position 11374, A replaced by G.
Protein change: p.Ile3792Val; replaces isoleucine 3792 with valine.
Molecular consequence: missense variant.
Genome position (GRCh38, 1-based): chr7:99,012,107, A>G. VCF-style: chr7-99012107-A-G. GRCh37 (hg19) VCF-style: chr7-98609730-A-G.
Other names: c.11245A>G (NM_003496.3); c.11332A>G (NM_001244580.1); c.11332A>G, p.Ile3778Val (NM_001244580.2); c.11245A>G, p.Ile3749Val (NM_003496.4); short protein forms I3792V, I3749V, I3778V.
Identifiers: ClinVar variation 2157959 (VCV002157959.9), dbSNP rs774579477, ClinGen allele CA4362167.